The following is an entry in ClinVar:

ClinVar aggregate classification (germline): Uncertain significance (1 of 4 stars; one submission).

Allele frequency attached by ClinVar (database versions not stated): TOPMed below 0.00001; gnomAD 0.00001.

Submission:

Labcorp Genetics (formerly Invitae), Labcorp
Classification: Uncertain significance. Last evaluated: 2022-03-25. Review status: criteria provided, single submitter. Criteria: Invitae Variant Classification Sherloc (09022015). Collection method: clinical testing. Allele origin: germline.
Comment: This sequence change replaces threonine, which is neutral and polar, with alanine, which is neutral and non-polar, at codon 992 of the ADAMTSL4 protein (p.Thr992Ala). This variant is present in population databases (no rsID available, gnomAD 0.003%). This variant has not been reported in the literature in individuals affected with ADAMTSL4-related conditions. Algorithms developed to predict the effect of missense changes on protein structure and function are either unavailable or do not agree on the potential impact of this missense change (SIFT: "Tolerated"; PolyPhen-2: "Possibly Damaging"; Align-GVGD: "Class C0"). In summary, the available evidence is currently insufficient to determine the role of this variant in disease. Therefore, it has been classified as a Variant of Uncertain Significance.

NM_019032.6(ADAMTSL4):c.2974A>G (p.Thr992Ala)

Gene: ADAMTSL4 (ADAMTS like 4; plus strand). Cytogenetic location: 1q21.2.
Variant type: single nucleotide variant.
Coding change: c.2974A>G on transcript NM_019032.6 (MANE Select); coding-DNA position 2974, A replaced by G.
Protein change: p.Thr992Ala; replaces threonine 992 with alanine.
Molecular consequence: missense variant.
Genome position (GRCh38, 1-based): chr1:150,559,791, A>G. VCF-style: chr1-150559791-A-G. GRCh37 (hg19) VCF-style: chr1-150532267-A-G.
Other names: c.2857A>G, p.Thr953Ala (NM_001288607.2); c.3043A>G, p.Thr1015Ala (NM_001288608.2); c.2974A>G, p.Thr992Ala (NM_001378596.1); short protein forms T953A, T1015A, T992A.
Identifiers: ClinVar variation 1980117 (VCV001980117.1), dbSNP rs1425348098, ClinGen allele CA342318312.